The following is an entry in ClinVar:

ClinVar aggregate classification (germline): Uncertain significance (1 of 4 stars; one submission).

Conditions:
Tuberous sclerosis 2 (TSC2). Identifiers: Orphanet 805, MedGen C1860707, MONDO:0013199, OMIM 613254.

Submission:

Labcorp Genetics (formerly Invitae), Labcorp
Classification: Uncertain significance for Tuberous sclerosis 2. Last evaluated: 2020-09-30. Review status: criteria provided, single submitter. Criteria: Invitae Variant Classification Sherloc (09022015). Collection method: clinical testing. Allele origin: germline.
Comment: In summary, the available evidence is currently insufficient to determine the role of this variant in disease. Therefore, it has been classified as a Variant of Uncertain Significance. This sequence change replaces alanine with proline at codon 1195 of the TSC2 protein (p.Ala1195Pro). The alanine residue is highly conserved and there is a small physicochemical difference between alanine and proline. Advanced modeling of protein sequence and biophysical properties (such as structural, functional, and spatial information, amino acid conservation, physicochemical variation, residue mobility, and thermodynamic stability) performed at Invitae indicates that this missense variant is expected to disrupt TSC2 protein function. This variant has not been reported in the literature in individuals with TSC2-related conditions. This variant is not present in population databases (ExAC no frequency).

NM_000548.5(TSC2):c.3583G>C (p.Ala1195Pro)

Gene: TSC2 (TSC complex subunit 2; plus strand). Cytogenetic location: 16p13.3.
Variant type: single nucleotide variant.
Coding change: c.3583G>C on transcript NM_000548.5 (MANE Select); coding-DNA position 3583, G replaced by C.
Protein change: p.Ala1195Pro; replaces alanine 1195 with proline.
Molecular consequence: missense variant.
Genome position (GRCh38, 1-based): chr16:2,080,350, G>C. VCF-style: chr16-2080350-G-C. GRCh37 (hg19) VCF-style: chr16-2130351-G-C.
Other names: c.3451G>C, p.Ala1151Pro (NM_001077183.3, NM_001370404.1); c.3583G>C, p.Ala1195Pro (NM_001114382.3); c.3343G>C, p.Ala1115Pro (NM_001318827.2); c.3307G>C, p.Ala1103Pro (NM_001318829.2); c.2851G>C, p.Ala951Pro (NM_001318831.2); c.3484G>C, p.Ala1162Pro (NM_001318832.2); c.3454G>C, p.Ala1152Pro (NM_001363528.2, NM_001370405.1, NM_021055.3); short protein forms A1103P, A1115P, A1151P, A1152P, A1162P, A1195P, A951P.
Identifiers: ClinVar variation 1014624 (VCV001014624.8), dbSNP rs2089978833, ClinGen allele CA394289653.